The following is an entry in ClinVar:

NM_020207.7(ERCC6L2):c.3818T>A (p.Phe1273Tyr)

Gene: ERCC6L2 (ERCC excision repair 6 like 2; plus strand). Cytogenetic location: 9q22.32.
Variant type: single nucleotide variant.
Coding change: c.3818T>A on transcript NM_020207.7 (MANE Select); coding-DNA position 3818, T replaced by A.
Protein change: p.Phe1273Tyr; replaces phenylalanine 1273 with tyrosine.
Molecular consequence: missense variant. On other transcripts: non-coding transcript variant (1), intron variant (2).
Genome position (GRCh38, 1-based): chr9:96,012,368, T>A. VCF-style: chr9-96012368-T-A. GRCh37 (hg19) VCF-style: chr9-98774650-T-A.
Other names: c.3674+7667T>A (NM_001375291.1, NM_001375292.1); short protein forms F1273Y.
Identifiers: ClinVar variation 2794212 (VCV002794212.3), dbSNP rs2490770314, ClinGen allele CA466120920.
Genomic context (GRCh38, chr9:96,012,368, plus strand): 5'-AAGAACGACAGAAAATGCTAAGAGACTTTTATGCTTCTCAATATCCAGAGGTAAAAGAAT[T>A]TTTTGTGGATTCTGTGTCACAATTCAACAATTCTTCCTTTGAGAAAGGAGAGCAGCGCAC-3'
Protein context (NP_064592.3, residues 1263-1283): YASQYPEVKE[Phe1273Tyr]FVDSVSQFNN

ClinVar aggregate classification (germline): Uncertain significance (1 of 4 stars; one submission).

Submission:

Labcorp Genetics (formerly Invitae), Labcorp
Classification: Uncertain significance. Last evaluated: 2024-10-30. Review status: criteria provided, single submitter. Criteria: Invitae Variant Classification Sherloc (09022015). Collection method: clinical testing. Allele origin: germline.
Comment: This sequence change replaces phenylalanine, which is neutral and non-polar, with tyrosine, which is neutral and polar, at codon 1284 of the ERCC6L2 protein (p.Phe1284Tyr). This variant is not present in population databases (gnomAD no frequency). This variant has not been reported in the literature in individuals affected with ERCC6L2-related conditions. ClinVar contains an entry for this variant (Variation ID: 2794212). Experimental studies and prediction algorithms are not available or were not evaluated, and the functional significance of this variant is currently unknown. In summary, the available evidence is currently insufficient to determine the role of this variant in disease. Therefore, it has been classified as a Variant of Uncertain Significance.